The following is an entry in ClinVar:

ClinVar aggregate classification (germline): Uncertain significance (1 of 4 stars; one submission).

Allele frequency attached by ClinVar (database versions not stated): gnomAD 0.00001; ESP Exome Variant Server 0.00008; TOPMed 0.00001.
gnomAD v4.1: 20 of 1,567,402 alleles (0.0013%); highest among the groups gnomAD compares: Non-Finnish European, 0.0017%; no homozygotes.

Submission:

Labcorp Genetics (formerly Invitae), Labcorp
Classification: Uncertain significance. Last evaluated: 2022-07-21. Review status: criteria provided, single submitter. Criteria: Invitae Variant Classification Sherloc (09022015). Collection method: clinical testing. Allele origin: germline.
Comment: Algorithms developed to predict the effect of missense changes on protein structure and function are either unavailable or do not agree on the potential impact of this missense change (SIFT: "Tolerated"; PolyPhen-2: "Not Available"; Align-GVGD: "Class C0"). This variant has not been reported in the literature in individuals affected with PIGU-related conditions. The frequency data for this variant in the population databases is considered unreliable, as metrics indicate poor data quality at this position in the gnomAD database. This sequence change replaces valine, which is neutral and non-polar, with alanine, which is neutral and non-polar, at codon 8 of the PIGU protein (p.Val8Ala). In summary, the available evidence is currently insufficient to determine the role of this variant in disease. Therefore, it has been classified as a Variant of Uncertain Significance.

NM_080476.5(PIGU):c.23T>C (p.Val8Ala)

Gene: PIGU (phosphatidylinositol glycan anchor biosynthesis class U; minus strand). Cytogenetic location: 20q11.22.
Variant type: single nucleotide variant.
Coding change: c.23T>C on transcript NM_080476.5 (MANE Select); coding-DNA position 23, T replaced by C.
Protein change: p.Val8Ala; replaces valine 8 with alanine.
Molecular consequence: missense variant.
Genome position (GRCh38, 1-based): chr20:34,677,063, A>G on the plus strand (T>C on the coding strand, the complement: PIGU is on the minus strand). VCF-style: chr20-34677063-A-G. GRCh37 (hg19) VCF-style: chr20-33264867-A-G.
Other names: short protein forms V8A.
Identifiers: ClinVar variation 2043998 (VCV002043998.4), dbSNP rs375949123, ClinGen allele CA313422324.
Genomic context (GRCh38, chr20:34,677,063, plus strand): 5'-ATGAACTCGGCCAGACTGGAGCGGAACAAGGCCGCCCGCACTGTCACAGCCACCACCAGC[A>G]CCAGGACCAAGGGAGCCGCCATGATAACTGGGGCGGGCGCGCGGGCGGGGAGGGAAGGCG-3'
Protein context (NP_536724.1, residues 1-18): MAAPLVL[Val8Ala]LVVAVTVRAA